The following is an entry in ClinVar:

NM_000061.3(BTK):c.758_767del (p.Arg253fs)

Gene: BTK (Bruton tyrosine kinase; minus strand). Cytogenetic location: Xq22.1.
Variant type: Deletion.
Coding change: c.758_767del on transcript NM_000061.3 (MANE Select); coding-DNA positions 758 to 767, 10 bases deleted (GAGCACGAGA; older notation c.758_767delGAGCACGAGA).
Protein change: p.Arg253fs; shifts the reading frame from arginine 253.
Molecular consequence: frameshift variant.
Genome position (GRCh38, 1-based): chrX:101,360,577-101,360,586, TCTCGTGCTC deleted on the plus strand (GAGCACGAGA on the coding strand, the reverse complement: BTK is on the minus strand); deleting any 10 consecutive bases within chrX:101,360,577-101,360,588 gives the same sequence; the c. name uses the placement nearest the transcript's 3' end. VCF-style (leftmost placement, unchanged base first): chrX-101360576-ATCTCGTGCTC-A. GRCh37 (hg19) VCF-style: chrX-100615564-ATCTCGTGCTC-A.
Other names: c.860_869del, p.Arg287fs (NM_001287344.2); c.758_767del, p.Arg253fs (NM_001287345.2); short protein forms R253fs, R287fs.
Identifiers: ClinVar variation 1879771 (VCV001879771.29), dbSNP rs2520589572, ClinGen allele CA2580100090.

ClinVar aggregate classification (germline): Pathogenic (1 of 4 stars; one submission).

Submission:

CeGaT Center for Human Genetics Tuebingen
Classification: Pathogenic. Last evaluated: 2022-10-01. Review status: criteria provided, single submitter. Criteria: CeGaT Center For Human Genetics Tuebingen Variant Classification Criteria Version 2. Collection method: clinical testing. Allele origin: germline. Affected: yes. Observed: 1 variant allele.
Comment: BTK: PVS1, PM2